The following is an entry in ClinVar:

NM_020247.5(COQ8A):c.1895T>C (p.Met632Thr)

Gene: COQ8A (coenzyme Q8A; plus strand). Cytogenetic location: 1q42.13.
Variant type: single nucleotide variant.
Coding change: c.1895T>C on transcript NM_020247.5 (MANE Select); coding-DNA position 1895, T replaced by C.
Protein change: p.Met632Thr; replaces methionine 632 with threonine.
Molecular consequence: missense variant.
Genome position (GRCh38, 1-based): chr1:226,986,688, T>C. VCF-style: chr1-226986688-T-C. GRCh37 (hg19) VCF-style: chr1-227174389-T-C.
Other names: short protein forms M632T.
Identifiers: ClinVar variation 1973797 (VCV001973797.2), dbSNP rs772188310, ClinGen allele CA1425701.
Genomic context (GRCh38, chr1:226,986,688, plus strand): 5'-AGATGGGGGGCTCCTTCCTCATCTGCTCCAAGCTGAAGGCCCGCTTCCCCTGCAAGGCCA[T>C]GTTCGAGGAGGCCTACAGCAACTACTGCAAGAGGCAGGCCCAGCAGTAGGGCTGCGGGCC-3'
Protein context (NP_064632.2, residues 622-642): KLKARFPCKA[Met632Thr]FEEAYSNYCK

ClinVar aggregate classification (germline): Uncertain significance (1 of 4 stars; one submission).

Allele frequency attached by ClinVar (database versions not stated): ExAC 0.00001.
gnomAD v4.1: 21 of 1,613,982 alleles (0.0013%); highest among the groups gnomAD compares: Non-Finnish European, 0.0014%; no homozygotes.

Submission:

Labcorp Genetics (formerly Invitae), Labcorp
Classification: Uncertain significance. Last evaluated: 2022-03-04. Review status: criteria provided, single submitter. Criteria: Invitae Variant Classification Sherloc (09022015). Collection method: clinical testing. Allele origin: germline.
Comment: This sequence change replaces methionine, which is neutral and non-polar, with threonine, which is neutral and polar, at codon 632 of the COQ8A protein (p.Met632Thr). This variant is present in population databases (rs772188310, gnomAD 0.002%). This variant has not been reported in the literature in individuals affected with COQ8A-related conditions. Advanced modeling of protein sequence and biophysical properties (such as structural, functional, and spatial information, amino acid conservation, physicochemical variation, residue mobility, and thermodynamic stability) performed at Invitae indicates that this missense variant is expected to disrupt COQ8A protein function. In summary, the available evidence is currently insufficient to determine the role of this variant in disease. Therefore, it has been classified as a Variant of Uncertain Significance.